The following is an entry in ClinVar:

NM_178140.4(PDZD2):c.1264G>A (p.Ala422Thr)

Gene: PDZD2 (PDZ domain containing 2; plus strand). Cytogenetic location: 5p13.3.
Variant type: single nucleotide variant.
Coding change: c.1264G>A on transcript NM_178140.4 (MANE Select); coding-DNA position 1264, G replaced by A.
Protein change: p.Ala422Thr; replaces alanine 422 with threonine.
Molecular consequence: missense variant.
Genome position (GRCh38, 1-based): chr5:32,010,339, G>A. VCF-style: chr5-32010339-G-A. GRCh37 (hg19) VCF-style: chr5-32010445-G-A.
Other names: short protein forms A422T.
Identifiers: ClinVar variation 3035785 (VCV003035785.2), dbSNP rs139951158, ClinGen allele CA3218814.

ClinVar aggregate classification (germline): Likely benign (0 of 4 stars; one submission).

Conditions:
PDZD2-related disorder. Also called: PDZD2-related condition.

Allele frequency attached by ClinVar (database versions not stated): ExAC 0.00065; 1000 Genomes Project 30x 0.00125; 1000 Genomes Project 0.00140; ESP Exome Variant Server 0.00185; gnomAD 0.00202; TOPMed 0.00219.
gnomAD v4.1: 863 of 1,600,994 alleles (0.054%); highest among the groups gnomAD compares: African/African-American, 0.62%; 2 homozygotes.

Submission:

PreventionGenetics, part of Exact Sciences
Classification: Likely benign for PDZD2-related condition. Last evaluated: 2019-08-05. Review status: no assertion criteria provided. Collection method: clinical testing. Allele origin: germline.
Comment: This variant is classified as likely benign based on ACMG/AMP sequence variant interpretation guidelines (Richards et al. 2015 PMID: 25741868, with internal and published modifications).